The following is an entry in ClinVar:

NM_012309.5(SHANK2):c.2421G>C (p.Pro807=)

Gene: SHANK2 (SH3 and multiple ankyrin repeat domains 2; minus strand). Cytogenetic location: 11q13.3.
Variant type: single nucleotide variant.
Coding change: c.2421G>C on transcript NM_012309.5 (MANE Select); coding-DNA position 2421, G replaced by C.
Protein change: p.Pro807=; no amino-acid change (proline 807 retained).
Molecular consequence: synonymous variant. On other transcripts: non-coding transcript variant (1).
Genome position (GRCh38, 1-based): chr11:70,492,353, C>G on the plus strand (G>C on the coding strand, the complement: SHANK2 is on the minus strand). VCF-style: chr11-70492353-C-G. GRCh37 (hg19) VCF-style: chr11-70338458-C-G.
Other names: c.1284G>C, p.Pro428= (NM_001379226.1); c.657G>C, p.Pro219= (NM_133266.5).
Identifiers: ClinVar variation 668411 (VCV000668411.1), dbSNP rs782015393, ClinGen allele CA475517614.

ClinVar aggregate classification (germline): Likely benign (1 of 4 stars; one submission).

Submission:

GeneDx
Classification: Likely benign. Last evaluated: 2018-05-09. Review status: criteria provided, single submitter. Criteria: GeneDx Variant Classification (06012015). Collection method: clinical testing. Allele origin: germline. Affected: yes.
Comment: This variant is considered likely benign or benign based on one or more of the following criteria: it is a conservative change, it occurs at a poorly conserved position in the protein, it is predicted to be benign by multiple in silico algorithms, and/or has population frequency not consistent with disease.